The following is an entry in ClinVar:

NM_005902.4(SMAD3):c.1216T>A (p.Trp406Arg)

Gene: SMAD3 (SMAD family member 3; plus strand). Cytogenetic location: 15q22.33.
Variant type: single nucleotide variant.
Coding change: c.1216T>A on transcript NM_005902.4 (MANE Select); coding-DNA position 1216, T replaced by A.
Protein change: p.Trp406Arg; replaces tryptophan 406 with arginine.
Molecular consequence: missense variant.
Genome position (GRCh38, 1-based): chr15:67,190,474, T>A. VCF-style: chr15-67190474-T-A. GRCh37 (hg19) VCF-style: chr15-67482812-T-A.
Other names: c.901T>A, p.Trp301Arg (NM_001145102.2, NM_001407016.1); c.1084T>A, p.Trp362Arg (NM_001145103.2, NM_001407012.1); c.631T>A, p.Trp211Arg (NM_001145104.2, NM_001407017.1); c.1327T>A, p.Trp443Arg (NM_001407011.1); c.1078T>A, p.Trp360Arg (NM_001407013.1); c.1069T>A, p.Trp357Arg (NM_001407014.1); c.769T>A, p.Trp257Arg (NM_001407015.1); short protein forms W211R, W257R, W301R, W357R, W360R, W362R, W406R, W443R.
Identifiers: ClinVar variation 3901179 (VCV003901179.2).
Genomic context (GRCh38, chr15:67,190,474, plus strand): 5'-AGACAGACTGTGACCAGTACCCCCTGCTGGATTGAGCTGCACCTGAATGGGCCTTTGCAG[T>A]GGCTTGACAAGGTCCTCACCCAGATGGGCTCCCCAAGCATCCGCTGTTCCAGTGTGTCTT-3'
Protein context (NP_005893.1, residues 396-416): IELHLNGPLQ[Trp406Arg]LDKVLTQMGS

ClinVar aggregate classification (germline): Uncertain significance (1 of 4 stars; one submission).

Conditions:
Aneurysm-osteoarthritis syndrome. Also called: ANEURYSMS-OSTEOARTHRITIS SYNDROME; LOEYS-DIETZ SYNDROME WITH OSTEOARTHRITIS; SMAD3-Related Loeys-Dietz Syndrome; Loeys-Dietz syndrome, type 1C. Identifiers: Orphanet 284984, MedGen C3151087, MONDO:0013426, OMIM 613795.

Submission:

Institute of Human Genetics, University of Leipzig Medical Center
Classification: Uncertain significance for Aneurysm-osteoarthritis syndrome. Last evaluated: 2026-03-24. Review status: criteria provided, single submitter. Criteria: ACMG Guidelines, 2015. Collection method: clinical testing. Allele origin: unknown. Inheritance: Autosomal dominant inheritance. Affected: yes.
Comment: Criteria applied: PM2,PM5_SUP,PP2,PP3